The following is an entry in ClinVar:

ClinVar aggregate classification (germline): Pathogenic (1 of 4 stars; one submission).

Submission:

GeneDx
Classification: Pathogenic. Last evaluated: 2023-11-03. Review status: criteria provided, single submitter. Criteria: GeneDx Variant Classification Process June 2021. Collection method: clinical testing. Allele origin: germline. Affected: yes.
Comment: Canonical splice site variant predicted to result in a null allele in a gene for which loss of function is a known mechanism of disease; Not observed at significant frequency in large population cohorts (gnomAD); Has not been previously published as pathogenic or benign to our knowledge

NM_001367873.1(SOX6):c.238-2A>G

Gene: SOX6 (SRY-box transcription factor 6; minus strand). Cytogenetic location: 11p15.2.
Variant type: single nucleotide variant.
Coding change: c.238-2A>G on transcript NM_001367873.1 (MANE Select); the canonical splice acceptor site of the intron before coding-DNA position 238, A replaced by G.
Molecular consequence: splice acceptor variant.
Genome position (GRCh38, 1-based): chr11:16,318,655, T>C on the plus strand (A>G on the coding strand, the complement: SOX6 is on the minus strand). VCF-style: chr11-16318655-T-C. GRCh37 (hg19) VCF-style: chr11-16340201-T-C.
Other names: c.238-2A>G (NM_001367872.1, NM_033326.3, NM_001145811.2 and 2 more transcripts).
Identifiers: ClinVar variation 3363775 (VCV003363775.1).